The following is an entry in ClinVar:

NM_000552.5(VWF):c.2839A>G (p.Met947Val)

Gene: VWF (von Willebrand factor; minus strand). Cytogenetic location: 12p13.31.
Variant type: single nucleotide variant.
Coding change: c.2839A>G on transcript NM_000552.5 (MANE Select); coding-DNA position 2839, A replaced by G.
Protein change: p.Met947Val; replaces methionine 947 with valine.
Molecular consequence: missense variant.
Genome position (GRCh38, 1-based): chr12:6,029,470, T>C on the plus strand (A>G on the coding strand, the complement: VWF is on the minus strand). VCF-style: chr12-6029470-T-C. GRCh37 (hg19) VCF-style: chr12-6138636-T-C.
Other names: short protein forms M947V.
Identifiers: ClinVar variation 2691381 (VCV002691381.5), dbSNP rs142861582, ClinGen allele CA6402921.

ClinVar aggregate classification (germline): Uncertain significance. Review status: criteria provided, multiple submitters, no conflicts (2 of 4 stars). 2 submissions from 2 submitters: Uncertain significance (2). Last evaluated 2025-01-22.

Allele frequency attached by ClinVar (database versions not stated): ExAC 0.00007; gnomAD 0.00014; ESP Exome Variant Server 0.00015; 1000 Genomes Project 0.00020; 1000 Genomes Project 30x 0.00031; TOPMed 0.00034.
gnomAD v4.1: 45 of 1,614,100 alleles (0.0028%); highest among the groups gnomAD compares: Admixed American, 0.048%; 1 homozygote.

Submissions (2):

Women's Health and Genetics/Laboratory Corporation of America, LabCorp
Classification: Uncertain significance. Last evaluated: 2025-01-22. Review status: criteria provided, single submitter. Criteria: LabCorp Variant Classification Summary - May 2015. Collection method: clinical testing. Allele origin: germline.
Comment: Variant summary: VWF c.2839A>G (p.Met947Val) results in a conservative amino acid change located in the von Willebrand factor, type D domain (IPR001846) of the encoded protein sequence. Five of five in-silico tools predict a benign effect of the variant on protein function. The variant allele was found at a frequency of 4.4e-05 in 251384 control chromosomes. This frequency is not significantly higher than estimated for a pathogenic variant in VWF causing Von Willebrand Disease, allowing no conclusion about variant significance. To our knowledge, no occurrence of c.2839A>G in individuals affected with Von Willebrand Disease has been reported. At least one publication reports experimental evidence evaluating an impact on protein function in vitro (Abdelaa_2017). These results showed no damaging effect of this variant. ClinVar contains an entry for this variant (Variation ID: 2691381). Based on the evidence outlined above, the variant was classified as uncertain significance.

ARUP Laboratories, Molecular Genetics and Genomics, ARUP Laboratories
Classification: Uncertain significance. Last evaluated: 2024-10-08. Review status: criteria provided, single submitter. Criteria: ARUP Molecular Germline Variant Investigation Process 2024. Collection method: clinical testing. Allele origin: germline.
Comment: The VWF c.2839A>G; p.Met947Val variant (rs142861582), to our knowledge, is not reported in the medical literature but is reported in ClinVar (Variation ID: 2691381). This variant is found in the general population with an overall allele frequency of 0.0046% (13/282,776 alleles) in the Genome Aggregation Database (v2.1.1). Computational analyses predict that this variant is neutral (REVEL: 0.068). Due to limited information, the clinical significance of this variant is uncertain at this time.